The following is an entry in ClinVar:

ClinVar aggregate classification (germline): Likely pathogenic. Review status: criteria provided, multiple submitters, no conflicts (2 of 4 stars). 2 submissions from 2 submitters: Likely pathogenic (2). Last evaluated 2024-07-24.

Conditions:
Autosomal recessive congenital ichthyosis 1 (LI1). Also called: ICHTHYOSIS, CONGENITAL, AUTOSOMAL RECESSIVE 1, WITH BATHING SUIT DISTRIBUTION; ICHTHYOSIS, CONGENITAL, AUTOSOMAL RECESSIVE 1, WITH OR WITHOUT BATHING SUIT DISTRIBUTION; COLLODION FETUS; DESQUAMATION OF NEWBORN; ICHTHYOSIS CONGENITA; ICHTHYOSIS CONGENITA II. Identifiers: MedGen C4551630, MONDO:0009441, OMIM 242300.

Submissions (2):

Natera, Inc.
Classification: Likely pathogenic for Autosomal recessive congenital ichthyosis type 1. Last evaluated: 2024-07-24. Review status: criteria provided, single submitter. Criteria: Natera Variant Classification Schema (03/2026). Collection method: clinical testing. Allele origin: germline.
Comment: The c.1985del variant in TGM1 is a frameshift variant predicted to shift the reading frame beginning at codon 662 and leads to a stop codon 89 codons downstream. This variant is expected to result in nonsense mediated decay, truncation, or a dysfunctional protein product. This variant is rare in the general population with a frequency below the threshold expected for the associated phenotype(s). Given the available evidence, this variant is classified as Likely Pathogenic.

Baylor Genetics
Classification: Likely pathogenic for Autosomal recessive congenital ichthyosis 1. Last evaluated: 2023-10-10. Review status: criteria provided, single submitter. Criteria: ACMG Guidelines, 2015. Collection method: clinical testing. Allele origin: unknown.

NM_000359.3(TGM1):c.1985del (p.Gln662fs)

Gene: TGM1 (transglutaminase 1; minus strand). Cytogenetic location: 14q12.
Variant type: Deletion.
Coding change: c.1985del on transcript NM_000359.3 (MANE Select); coding-DNA position 1985, one base deleted (A; older notation c.1985delA).
Protein change: p.Gln662fs; shifts the reading frame from glutamine 662.
Molecular consequence: frameshift variant.
Genome position (GRCh38, 1-based): chr14:24,254,767, T deleted on the plus strand (A on the coding strand, the reverse complement: TGM1 is on the minus strand). VCF-style (leftmost placement, unchanged base first): chr14-24254766-CT-C. GRCh37 (hg19) VCF-style: chr14-24723972-CT-C.
Other names: c.1985del (NM_000359.2); short protein forms Q662fs.
Identifiers: ClinVar variation 2679170 (VCV002679170.2), dbSNP rs2502493168, ClinGen allele CA2695199803.